The following is an entry in ClinVar:

NM_020738.4(KIDINS220):c.3343G>A (p.Val1115Met)

Gene: KIDINS220 (kinase D interacting substrate 220; minus strand). Cytogenetic location: 2p25.1.
Variant type: single nucleotide variant.
Coding change: c.3343G>A on transcript NM_020738.4 (MANE Select); coding-DNA position 3343, G replaced by A.
Protein change: p.Val1115Met; replaces valine 1115 with methionine.
Molecular consequence: missense variant. On other transcripts: non-coding transcript variant (2).
Genome position (GRCh38, 1-based): chr2:8,750,183, C>T on the plus strand (G>A on the coding strand, the complement: KIDINS220 is on the minus strand). VCF-style: chr2-8750183-C-T. GRCh37 (hg19) VCF-style: chr2-8890313-C-T.
Other names: c.3346G>A, p.Val1116Met (NM_001348729.2, NM_001348731.2, NM_001348734.2 and 2 more transcripts); c.3343G>A, p.Val1115Met (NM_001348732.2, NM_001348735.2, NM_001348738.2 and 3 more transcripts); c.3217G>A, p.Val1073Met (NM_001348736.2); short protein forms V1115M, V1073M, V1116M.
Identifiers: ClinVar variation 4700704 (VCV004700704.1).

ClinVar aggregate classification (germline): Uncertain significance (1 of 4 stars; one submission).

gnomAD v4.1: 2 of 1,614,210 alleles (0.00012%); highest among the groups gnomAD compares: Non-Finnish European, 0.000085%; no homozygotes.

Submission:

Labcorp Genetics (formerly Invitae), Labcorp
Classification: Uncertain significance. Last evaluated: 2025-10-08. Review status: criteria provided, single submitter. Criteria: Invitae Variant Classification Sherloc (09022015). Collection method: clinical testing. Allele origin: germline.
Comment: This sequence change replaces valine, which is neutral and non-polar, with methionine, which is neutral and non-polar, at codon 1115 of the KIDINS220 protein (p.Val1115Met). This variant is not present in population databases (gnomAD no frequency). This variant has not been reported in the literature in individuals affected with KIDINS220-related conditions. An algorithm developed to predict the effect of missense changes on protein structure and function outputs the following: PolyPhen-2: "Benign". The methionine amino acid residue is found in multiple mammalian species, which suggests that this missense change does not adversely affect protein function. In summary, the available evidence is currently insufficient to determine the role of this variant in disease. Therefore, it has been classified as a Variant of Uncertain Significance.